The following is an entry in ClinVar:

ClinVar aggregate classification (germline): Uncertain significance. Review status: criteria provided, multiple submitters, no conflicts (2 of 4 stars). 2 submissions from 2 submitters: Uncertain significance (2). Last evaluated 2023-05-08.

Conditions:
Inborn genetic diseases. Identifiers: MedGen C0950123, MeSH D030342.
Progressive myoclonic epilepsy. Also called: Myoclonus epilepsy; Familial progressive myoclonic epilepsy; Progressive myoclonus epilepsy; Myoclonic Epilepsies, Progressive. Identifiers: Orphanet 308, Orphanet 98261, MedGen C0751778, MONDO:0020074.

Allele frequency attached by ClinVar (database versions not stated): gnomAD exomes below 0.00001; gnomAD 0.00002 and 0.00003; TOPMed 0.00003.
gnomAD v4.1: 7 of 1,614,114 alleles (0.00043%); highest among the groups gnomAD compares: African/African-American, 0.0093%; no homozygotes.

Submissions (2):

Ambry Genetics
Classification: Uncertain significance for Inborn genetic diseases. Last evaluated: 2023-05-08. Review status: criteria provided, single submitter. Criteria: Ambry Variant Classification Scheme 2023. Collection method: clinical testing. Allele origin: germline.

Labcorp Genetics (formerly Invitae), Labcorp
Classification: Uncertain significance for Progressive myoclonic epilepsy. Last evaluated: 2022-07-05. Review status: criteria provided, single submitter. Criteria: Invitae Variant Classification Sherloc (09022015). Collection method: clinical testing. Allele origin: germline.
Comment: Algorithms developed to predict the effect of missense changes on protein structure and function output the following: SIFT: "Tolerated"; PolyPhen-2: "Benign"; Align-GVGD: "Class C0". The arginine amino acid residue is found in multiple mammalian species, which suggests that this missense change does not adversely affect protein function. In summary, the available evidence is currently insufficient to determine the role of this variant in disease. Therefore, it has been classified as a Variant of Uncertain Significance. ClinVar contains an entry for this variant (Variation ID: 847922). This variant has not been reported in the literature in individuals affected with SCARB2-related conditions. This variant is present in population databases (no rsID available, gnomAD 0.008%). This sequence change replaces glutamine, which is neutral and polar, with arginine, which is basic and polar, at codon 288 of the SCARB2 protein (p.Gln288Arg).

NM_005506.4(SCARB2):c.863A>G (p.Gln288Arg)

Gene: SCARB2 (scavenger receptor class B member 2; minus strand). Cytogenetic location: 4q21.1.
Variant type: single nucleotide variant.
Coding change: c.863A>G on transcript NM_005506.4 (MANE Select); coding-DNA position 863, A replaced by G.
Protein change: p.Gln288Arg; replaces glutamine 288 with arginine.
Molecular consequence: missense variant.
Genome position (GRCh38, 1-based): chr4:76,174,275, T>C on the plus strand (A>G on the coding strand, the complement: SCARB2 is on the minus strand). VCF-style: chr4-76174275-T-C. GRCh37 (hg19) VCF-style: chr4-77095428-T-C.
Other names: c.434A>G, p.Gln145Arg (NM_001204255.2); short protein forms Q288R, Q145R.
Identifiers: ClinVar variation 847922 (VCV000847922.11), dbSNP rs963202088, ClinGen allele CA99890227.